The following is an entry in ClinVar:

NM_020745.4(AARS2):c.1310C>A (p.Ala437Asp)

Gene: AARS2 (alanyl-tRNA synthetase 2, mitochondrial; minus strand). Cytogenetic location: 6p21.1.
Variant type: single nucleotide variant.
Coding change: c.1310C>A on transcript NM_020745.4 (MANE Select); coding-DNA position 1310, C replaced by A.
Protein change: p.Ala437Asp; replaces alanine 437 with aspartic acid.
Molecular consequence: missense variant.
Genome position (GRCh38, 1-based): chr6:44,305,777, G>T on the plus strand (C>A on the coding strand, the complement: AARS2 is on the minus strand). VCF-style: chr6-44305777-G-T. GRCh37 (hg19) VCF-style: chr6-44273514-G-T.
Other names: short protein forms A437D.
Identifiers: ClinVar variation 1361628 (VCV001361628.7), dbSNP rs777835089, ClinGen allele CA3834361.

ClinVar aggregate classification (germline): Uncertain significance (1 of 4 stars; one submission).

Allele frequency attached by ClinVar (database versions not stated): gnomAD exomes below 0.00001 and 0.00002; ExAC 0.00001; gnomAD 0.00001.

Submission:

Labcorp Genetics (formerly Invitae), Labcorp
Classification: Uncertain significance. Last evaluated: 2022-07-26. Review status: criteria provided, single submitter. Criteria: Invitae Variant Classification Sherloc (09022015). Collection method: clinical testing. Allele origin: germline.
Comment: In summary, the available evidence is currently insufficient to determine the role of this variant in disease. Therefore, it has been classified as a Variant of Uncertain Significance. Advanced modeling of protein sequence and biophysical properties (such as structural, functional, and spatial information, amino acid conservation, physicochemical variation, residue mobility, and thermodynamic stability) performed at Invitae indicates that this missense variant is expected to disrupt AARS2 protein function. ClinVar contains an entry for this variant (Variation ID: 1361628). This variant has not been reported in the literature in individuals affected with AARS2-related conditions. This variant is present in population databases (rs777835089, gnomAD 0.01%). This sequence change replaces alanine, which is neutral and non-polar, with aspartic acid, which is acidic and polar, at codon 437 of the AARS2 protein (p.Ala437Asp).